The following is an entry in ClinVar:

NM_000097.7(CPOX):c.404T>C (p.Val135Ala)

Gene: CPOX (coproporphyrinogen oxidase; minus strand). Cytogenetic location: 3q11.2.
Variant type: single nucleotide variant.
Coding change: c.404T>C on transcript NM_000097.7 (MANE Select); coding-DNA position 404, T replaced by C.
Protein change: p.Val135Ala; replaces valine 135 with alanine.
Molecular consequence: missense variant.
Genome position (GRCh38, 1-based): chr3:98,593,101, A>G on the plus strand (T>C on the coding strand, the complement: CPOX is on the minus strand). VCF-style: chr3-98593101-A-G. GRCh37 (hg19) VCF-style: chr3-98311945-A-G.
Other names: short protein forms V135A.
Identifiers: ClinVar variation 1303198 (VCV001303198.6), dbSNP rs201826432, ClinGen allele CA2511708.

ClinVar aggregate classification (germline): Uncertain significance. Review status: criteria provided, multiple submitters, no conflicts (2 of 4 stars). 2 submissions from 2 submitters: Uncertain significance (2). Last evaluated 2022-09-09.

Allele frequency attached by ClinVar (database versions not stated): gnomAD exomes below 0.00001 and 0.00003; ExAC 0.00001; gnomAD 0.00002.
gnomAD v4.1: 47 of 1,613,694 alleles (0.0029%); highest among the groups gnomAD compares: Non-Finnish European, 0.0038%; no homozygotes.

Submissions (2):

Labcorp Genetics (formerly Invitae), Labcorp
Classification: Uncertain significance. Last evaluated: 2022-09-09. Review status: criteria provided, single submitter. Criteria: Invitae Variant Classification Sherloc (09022015). Collection method: clinical testing. Allele origin: germline.
Comment: In summary, the available evidence is currently insufficient to determine the role of this variant in disease. Therefore, it has been classified as a Variant of Uncertain Significance. Advanced modeling of protein sequence and biophysical properties (such as structural, functional, and spatial information, amino acid conservation, physicochemical variation, residue mobility, and thermodynamic stability) performed at Invitae indicates that this missense variant is not expected to disrupt CPOX protein function. ClinVar contains an entry for this variant (Variation ID: 1303198). This missense change has been observed in individuals with hereditary coproporphyria (PMID: 15896662, 30476629). This variant is present in population databases (rs201826432, gnomAD 0.002%). This sequence change replaces valine, which is neutral and non-polar, with alanine, which is neutral and non-polar, at codon 135 of the CPOX protein (p.Val135Ala).

GeneDx
Classification: Uncertain significance. Last evaluated: 2019-04-22. Review status: criteria provided, single submitter. Criteria: GeneDx Variant Classification Process June 2021. Collection method: clinical testing. Allele origin: germline. Affected: yes.
Comment: Identified in the heterozygous state in individuals with porphyria (To-Figueras et al., 2005; Borrero Corte et al., 2018); Not observed at a significant frequency in large population cohorts (Lek et al., 2016); In silico analysis, which includes protein predictors and evolutionary conservation, supports a deleterious effect; This variant is associated with the following publications: (PMID: 30476629, 15896662)

Literature cited by the submitters: PubMed 15896662 (cited by Labcorp Genetics (formerly Invitae), Labcorp); PubMed 30476629 (cited by Labcorp Genetics (formerly Invitae), Labcorp).